The following is an entry in ClinVar:

NR_003051.4(RMRP):n.121_124delCATT

Gene: RMRP (RNA component of mitochondrial RNA processing endoribonuclease; minus strand). Cytogenetic location: 9p13.3.
Variant type: Deletion.
Genome position: GRCh38 VCF-style: chr9-35657894-GGAAT-G. GRCh37 (hg19) VCF-style: chr9-35657891-GGAAT-G.
Identifiers: ClinVar variation 945678 (VCV000945678.7), dbSNP rs1191061440, ClinGen allele CA863578063.
Genomic context (GRCh38, chr9:35,657,894, plus strand): 5'-CCCCCGCGCCACGCCGCTCAGCGGGATACGCTTCTTGGCGGACTTTGGAGTGGGAAGCGG[GGAAT>G]GTCTACGTGCGTATGCACGTGGCACTCTCTGCCCGAGGTCCGGGGACTTTCCCCTAGGCG-3'

ClinVar aggregate classification (germline): Uncertain significance. Review status: criteria provided, single submitter (1 of 4 stars). 2 submissions from 2 submitters: Uncertain significance (1). 1 of the submissions does not count toward it. Last evaluated 2024-09-29.

Conditions:
Anauxetic dysplasia. Identifiers: Orphanet 93347, MedGen C1846796, MONDO:0011773.
Metaphyseal chondrodysplasia, McKusick type (CHH). Also called: Cartilage-Hair Hypoplasia (CHH); Cartilage-hair hypoplasia. Identifiers: Orphanet 175, MedGen C0220748, MONDO:0009595, OMIM 250250.

Submissions (2):

Labcorp Genetics (formerly Invitae), Labcorp
Classification: Uncertain significance for Anauxetic dysplasia. Last evaluated: 2024-09-29. Review status: criteria provided, single submitter. Criteria: Invitae Variant Classification Sherloc (09022015). Collection method: clinical testing. Allele origin: germline.
Comment: This variant occurs in the RMRP gene, which encodes an RNA molecule that does not result in a protein product. This variant is not present in population databases (gnomAD no frequency). This variant has not been reported in the literature in individuals affected with RMRP-related conditions. ClinVar contains an entry for this variant (Variation ID: 945678). Experimental studies and prediction algorithms are not available or were not evaluated, and the functional significance of this variant is currently unknown. In summary, the available evidence is currently insufficient to determine the role of this variant in disease. Therefore, it has been classified as a Variant of Uncertain Significance.

Natera, Inc.
Classification: Uncertain significance for Cartilage-hair hypoplasia. Last evaluated: 2020-09-11. Review status: no assertion criteria provided. Collection method: clinical testing. Allele origin: germline. Not counted in ClinVar's aggregate classification.